The following is an entry in ClinVar:

NM_152419.3(HGSNAT):c.1411G>T (p.Glu471Ter)

Gene: HGSNAT (heparan-alpha-glucosaminide N-acetyltransferase; plus strand). Cytogenetic location: 8p11.21.
Variant type: single nucleotide variant.
Coding change: c.1411G>T on transcript NM_152419.3 (MANE Select); coding-DNA position 1411, G replaced by T.
Protein change: p.Glu471Ter; replaces glutamic acid 471 with a stop codon.
Molecular consequence: nonsense.
Genome position (GRCh38, 1-based): chr8:43,193,790, G>T. VCF-style: chr8-43193790-G-T. GRCh37 (hg19) VCF-style: chr8-43048933-G-T.
Other names: c.1411G>T, p.Glu471Ter (NM_001363227.2); c.1219G>T, p.Glu407Ter (NM_001363228.2); c.547G>T, p.Glu183Ter (NM_001363229.2); short protein forms E183*, E407*, E471*.
Identifiers: ClinVar variation 983888 (VCV000983888.3), dbSNP rs753355844, ClinGen allele CA371119882.

ClinVar aggregate classification (germline): Likely pathogenic (1 of 4 stars; one submission).

Conditions:
Mucopolysaccharidosis, MPS-III-C (MPS3C). Also called: MPS IIIC (Sanfilippo Syndrome Type C); MUCOPOLYSACCHARIDOSIS, TYPE IIIC; Mucopolysaccharidosis type IIIC (Sanfilippo C); mucopolysaccharidosis type 3C; SANFILIPPO SYNDROME C; MPS III C. Identifiers: Orphanet 581, Orphanet 79271, MedGen C0086649, MONDO:0009657, OMIM 252930.

Submission:

Myriad Genetics, Inc.
Classification: Likely pathogenic for Mucopolysaccharidosis, MPS-III-C. Last evaluated: 2019-12-28. Review status: criteria provided, single submitter. Criteria: Myriad Women's Health Autosomal Recessive and X-Linked Classification Criteria (2019). Collection method: clinical testing. Allele origin: unknown.
Comment: NM_152419.2(HGSNAT):c.1411G>T(E471*) is expected to be pathogenic in the context of mucopolysaccharidosis type IIIC. This variant is predicted to lead to an abnormal or absent protein product due to the creation of a premature termination codon in HGSNAT, a gene where loss-of-function variants are known to be pathogenic. Please note: this variant was assessed in the context of healthy population screening.